The following is an entry in ClinVar:

NM_000501.4(ELN):c.2086+5G>A

Gene: ELN (elastin; plus strand). Cytogenetic location: 7q11.23.
Variant type: single nucleotide variant.
Coding change: c.2086+5G>A on transcript NM_000501.4 (MANE Select); 5 bases into the intron after coding-DNA position 2086, G replaced by A.
Molecular consequence: intron variant.
Genome position (GRCh38, 1-based): chr7:74,066,002, G>A. VCF-style: chr7-74066002-G-A. GRCh37 (hg19) VCF-style: chr7-73480332-G-A.
Other names: c.2047+270G>A (NM_001081754.3); c.1990+270G>A (NM_001081753.3); c.2272+5G>A (NM_001278939.2); c.2104+5G>A (NM_001278915.2); c.2032+270G>A (NM_001278912.2); c.2029+5G>A (NM_001081755.3); c.1888+270G>A (NM_001278916.2); c.1843+5G>A (NM_001278913.2); and 4 more.
Identifiers: ClinVar variation 4874542 (VCV004874542.2).
Genomic context (GRCh38, chr7:74,066,002, plus strand): 5'-AGGTGCTGCTGGCCTTGGAGGTGTCCTAGGGGGTGCCGGGCAGTTCCCACTTGGAGGTAG[G>A]GGTGGCCAGCTCTGCTACGTAGTCCTCAGCTCTGTCCCGATCTAGAGGGGGCCTGTCCAT-3'

ClinVar aggregate classification (germline): Uncertain significance (1 of 4 stars; one submission).

Submission:

CeGaT Center for Human Genetics Tuebingen
Classification: Uncertain significance. Last evaluated: 2026-04-01. Review status: criteria provided, single submitter. Criteria: CeGaT Center For Human Genetics Tuebingen Variant Classification Criteria Version 2. Collection method: clinical testing. Allele origin: germline. Affected: yes. Observed: 1 variant allele.
Comment: ELN: PM2